The following is an entry in ClinVar:

ClinVar aggregate classification (germline): Uncertain significance. Review status: criteria provided, multiple submitters, no conflicts (2 of 4 stars). 3 submissions from 3 submitters: Uncertain significance (2). 1 of the submissions does not count toward it. Last evaluated 2026-02-17.

Conditions:
Inborn genetic diseases. Identifiers: MedGen C0950123, MeSH D030342.
Polyglandular autoimmune syndrome, type 1 (APS1). Also called: Autoimmune polyendocrine syndrome type 1; AUTOIMMUNE POLYENDOCRINE SYNDROME, TYPE I, WITH OR WITHOUT REVERSIBLE METAPHYSEAL DYSPLASIA; APS I; Autoimmune polyendocrinopathy syndrome, type I; Autoimmune polyendocrinopathy syndrome , type I, with or without reversible metaphyseal dysplasia; Whitaker syndrome. Identifiers: Orphanet 3453, MedGen C0085859, MONDO:0009411, OMIM 240300.

Allele frequency attached by ClinVar (database versions not stated): TOPMed below 0.00001; gnomAD exomes 0.00001.
gnomAD v4.1: 5 of 1,611,984 alleles (0.00031%); highest among the groups gnomAD compares: African/African-American, 0.0013%; no homozygotes.

Submissions (3):

Ambry Genetics
Classification: Uncertain significance for Inborn genetic diseases. Last evaluated: 2026-02-17. Review status: criteria provided, single submitter. Criteria: Ambry Variant Classification Scheme 2023. Collection method: clinical testing. Allele origin: germline.
Comment: The c.1505A>T (p.D502V) alteration is located in exon 13 (coding exon 13) of the AIRE gene. This alteration results from a A to T substitution at nucleotide position 1505, causing the aspartic acid (D) at amino acid position 502 to be replaced by a valine (V). Based on data from gnomAD, the T allele has an overall frequency of <0.001% (0/250112) total alleles studied. The highest observed frequency was <0.001% (/) of alleles. Based on insufficient or conflicting evidence, the clinical significance of this alteration remains unclear.

Labcorp Genetics (formerly Invitae), Labcorp
Classification: Uncertain significance for Polyglandular autoimmune syndrome, type 1. Last evaluated: 2021-09-01. Review status: criteria provided, single submitter. Criteria: Invitae Variant Classification Sherloc (09022015). Collection method: clinical testing. Allele origin: germline.
Comment: This sequence change replaces aspartic acid with valine at codon 502 of the AIRE protein (p.Asp502Val). The aspartic acid residue is highly conserved and there is a large physicochemical difference between aspartic acid and valine. This variant is not present in population databases (ExAC no frequency). This variant has not been reported in the literature in individuals affected with AIRE-related conditions. Algorithms developed to predict the effect of missense changes on protein structure and function are either unavailable or do not agree on the potential impact of this missense change (SIFT: "Deleterious"; PolyPhen-2: "Possibly Damaging"; Align-GVGD: "Class C0"). Algorithms developed to predict the effect of sequence changes on RNA splicing suggest that this variant may create or strengthen a splice site. In summary, the available evidence is currently insufficient to determine the role of this variant in disease. Therefore, it has been classified as a Variant of Uncertain Significance.

Natera, Inc.
Classification: Uncertain significance for Polyglandular autoimmune syndrome type 1. Last evaluated: 2020-02-28. Review status: no assertion criteria provided. Collection method: clinical testing. Allele origin: germline. Not counted in ClinVar's aggregate classification.

NM_000383.4(AIRE):c.1505A>T (p.Asp502Val)

Genes: AIRE (autoimmune regulator; plus strand), LOC130066813 (ATAC-STARR-seq lymphoblastoid silent region 13378; plus strand). Cytogenetic location: 21q22.3.
Variant type: single nucleotide variant.
Coding change: c.1505A>T on transcript NM_000383.4 (MANE Select); coding-DNA position 1505, A replaced by T.
Protein change: p.Asp502Val; replaces aspartic acid 502 with valine.
Molecular consequence: missense variant.
Genome position (GRCh38, 1-based): chr21:44,296,384, A>T. VCF-style: chr21-44296384-A-T. GRCh37 (hg19) VCF-style: chr21-45716267-A-T.
Other names: c.1505A>T (NM_000383.2); short protein forms D502V.
Identifiers: ClinVar variation 656252 (VCV000656252.11), dbSNP rs1444691231, ClinGen allele CA410426060.
Genomic context (GRCh38, chr21:44,296,384, plus strand): 5'-CTGTACCCCCACCAGGGCTGTGGGAGTTGGGCTGACCTCTTCTCTTTACTGGGTTCCAGG[A>T]TGACACTGCCAGTCACGAGCCCGCTCTGCACAGGGATGACCTGGAGTCCCTTCTGAGCGA-3'
Protein context (NP_000374.1, residues 492-512): PARLAPGPAK[Asp502Val]DTASHEPALH